The following is an entry in ClinVar:

NM_000038.6(APC):c.1627-4G>T

Gene: APC (APC regulator of Wnt signaling pathway; plus strand). Cytogenetic location: 5q22.2.
Variant type: single nucleotide variant.
Coding change: c.1627-4G>T on transcript NM_000038.6 (MANE Select); 4 bases into the intron before coding-DNA position 1627, G replaced by T.
Molecular consequence: intron variant.
Genome position (GRCh38, 1-based): chr5:112,828,852, G>T. VCF-style: chr5-112828852-G-T. GRCh37 (hg19) VCF-style: chr5-112164549-G-T.
Other names: c.1147-4G>T (NM_001354905.2); c.778-4G>T (NM_001407470.1, NM_001354906.2); c.475-4G>T (NM_001407472.1, NM_001407471.1); c.1681-4G>T (NM_001407447.1, NM_001407448.1, NM_001407449.1 and 1 more transcripts); c.1627-4G>T (NM_001354895.2, NM_001407450.1, NM_001127510.3 and 1 more transcripts); c.1378-4G>T (NM_001407456.1, NM_001407457.1, NM_001407455.1 and 1 more transcripts); c.1324-4G>T (NM_001407460.1, NM_001407458.1, NM_001407459.1 and 1 more transcripts); c.1597-4G>T (NM_001407452.1); and 11 more.
Identifiers: ClinVar variation 3148261 (VCV003148261.3), dbSNP rs2149816788, ClinGen allele CA2825001354.

ClinVar aggregate classification (germline): Likely benign. Review status: criteria provided, multiple submitters, no conflicts (2 of 4 stars). 3 submissions from 3 submitters: Likely benign (3). Last evaluated 2025-09-02.

Conditions:
Familial adenomatous polyposis 1 (FAP1). Also called: POLYPOSIS, ADENOMATOUS INTESTINAL; FAMILIAL ADENOMATOUS POLYPOSIS 1, ATTENUATED. Identifiers: MedGen C2713442, MONDO:0021056, OMIM 175100. Disease mechanism: loss of function.
Hereditary cancer-predisposing syndrome. Also called: Neoplastic Syndromes, Hereditary; Tumor predisposition; Hereditary neoplastic syndrome; Hereditary Cancer Syndrome. Identifiers: Orphanet 140162, MedGen C0027672, MeSH D009386, MONDO:0015356.

Submissions (3):

Ambry Genetics
Classification: Likely benign for Hereditary cancer-predisposing syndrome. Last evaluated: 2025-09-02. Review status: criteria provided, single submitter. Criteria: Ambry Variant Classification Scheme 2023. Collection method: clinical testing. Allele origin: germline.

Color Diagnostics, LLC DBA Color Health
Classification: Likely benign for Hereditary cancer-predisposing syndrome. Last evaluated: 2025-02-18. Review status: criteria provided, single submitter. Criteria: ACMG Guidelines, 2015. Collection method: clinical testing. Allele origin: germline.

Myriad Genetics, Inc.
Classification: Likely benign for Familial adenomatous polyposis 1. Last evaluated: 2024-03-06. Review status: criteria provided, single submitter. Criteria: Myriad Autosomal Dominant, Autosomal Recessive and X-Linked Classification Criteria (2023). Collection method: clinical testing. Allele origin: unknown.
Comment: This variant is considered likely benign. This variant is intronic and is not expected to impact mRNA splicing.